The following is an entry in ClinVar:

ClinVar aggregate classification (germline): Uncertain significance (1 of 4 stars; one submission).

Conditions:
Neuroblastoma, susceptibility to, 3. Also called: ALK-Related Neuroblastic Tumor Susceptibility. Identifiers: Orphanet 635, MedGen C2751681, MONDO:0013083, OMIM 613014.

Submission:

Labcorp Genetics (formerly Invitae), Labcorp
Classification: Uncertain significance for Neuroblastoma, susceptibility to, 3. Last evaluated: 2025-12-24. Review status: criteria provided, single submitter. Criteria: Invitae Variant Classification Sherloc (09022015). Collection method: clinical testing. Allele origin: germline.
Comment: This sequence change replaces glycine, which is neutral and non-polar, with glutamic acid, which is acidic and polar, at codon 923 of the ALK protein (p.Gly923Glu). This variant is not present in population databases (gnomAD no frequency). This variant has not been reported in the literature in individuals affected with ALK-related conditions. ClinVar contains an entry for this variant (Variation ID: 3646534). An algorithm developed to predict the effect of missense changes on protein structure and function (PolyPhen-2) suggests that this variant is likely to be disruptive. In summary, the available evidence is currently insufficient to determine the role of this variant in disease. Therefore, it has been classified as a Variant of Uncertain Significance.

NM_004304.5(ALK):c.2768G>A (p.Gly923Glu)

Gene: ALK (ALK receptor tyrosine kinase; minus strand). Cytogenetic location: 2p23.2.
Variant type: single nucleotide variant.
Coding change: c.2768G>A on transcript NM_004304.5 (MANE Select); coding-DNA position 2768, G replaced by A.
Protein change: p.Gly923Glu; replaces glycine 923 with glutamic acid.
Molecular consequence: missense variant.
Genome position (GRCh38, 1-based): chr2:29,228,931, C>T on the plus strand (G>A on the coding strand, the complement: ALK is on the minus strand). VCF-style: chr2-29228931-C-T. GRCh37 (hg19) VCF-style: chr2-29451797-C-T.
Other names: short protein forms G923E.
Identifiers: ClinVar variation 3646534 (VCV003646534.2).